The following is an entry in ClinVar:

ClinVar aggregate classification (germline): Uncertain significance (0 of 4 stars; one submission).

Conditions:
TTC21B-related disorder. Also called: TTC21B-related condition; TTC21B-related disorders.

Submission:

PreventionGenetics, part of Exact Sciences
Classification: Uncertain significance for TTC21B-related condition. Last evaluated: 2024-05-03. Review status: no assertion criteria provided. Collection method: clinical testing. Allele origin: germline.
Comment: The TTC21B c.1226A>T variant is predicted to result in the amino acid substitution p.Asn409Ile. To our knowledge, this variant has not been reported in the literature or in a large population database, indicating this variant is rare. At this time, the clinical significance of this variant is uncertain due to the absence of conclusive functional and genetic evidence.

NM_024753.5(TTC21B):c.1226A>T (p.Asn409Ile)

Gene: TTC21B (tetratricopeptide repeat domain 21B; minus strand). Cytogenetic location: 2q24.3.
Variant type: single nucleotide variant.
Coding change: c.1226A>T on transcript NM_024753.5 (MANE Select); coding-DNA position 1226, A replaced by T.
Protein change: p.Asn409Ile; replaces asparagine 409 with isoleucine.
Molecular consequence: missense variant.
Genome position (GRCh38, 1-based): chr2:165,929,295, T>A on the plus strand (A>T on the coding strand, the complement: TTC21B is on the minus strand). VCF-style: chr2-165929295-T-A. GRCh37 (hg19) VCF-style: chr2-166785805-T-A.
Other names: short protein forms N409I.
Identifiers: ClinVar variation 3345638 (VCV003345638.1).